The following is an entry in ClinVar:

ClinVar aggregate classification (germline): Uncertain significance. Review status: criteria provided, single submitter (1 of 4 stars). 2 submissions from 2 submitters: Uncertain significance (1). 1 of the submissions does not count toward it. Last evaluated 2026-01-13.

Conditions:
KIDINS220-related disorder. Also called: KIDINS220-related condition.

Allele frequency attached by ClinVar (database versions not stated): gnomAD 0.00001.

Submissions (2):

Labcorp Genetics (formerly Invitae), Labcorp
Classification: Uncertain significance. Last evaluated: 2026-01-13. Review status: criteria provided, single submitter. Criteria: Invitae Variant Classification Sherloc (09022015). Collection method: clinical testing. Allele origin: germline.
Comment: This sequence change replaces glutamic acid, which is acidic and polar, with lysine, which is basic and polar, at codon 482 of the KIDINS220 protein (p.Glu482Lys). This variant is present in population databases (rs745339879, gnomAD 0.02%). This variant has not been reported in the literature in individuals affected with KIDINS220-related conditions. ClinVar contains an entry for this variant (Variation ID: 1416887). An algorithm developed to predict the effect of missense changes on protein structure and function (PolyPhen-2) suggests that this variant is likely to be tolerated. In summary, the available evidence is currently insufficient to determine the role of this variant in disease. Therefore, it has been classified as a Variant of Uncertain Significance.

PreventionGenetics, part of Exact Sciences
Classification: Uncertain significance for KIDINS220-related condition. Last evaluated: 2024-07-17. Review status: no assertion criteria provided. Collection method: clinical testing. Allele origin: germline. Not counted in ClinVar's aggregate classification.
Comment: The KIDINS220 c.1444G>A variant is predicted to result in the amino acid substitution p.Glu482Lys. To our knowledge, this variant has not been reported in the literature. This variant is reported in 0.015% of alleles in individuals of Latino descent in gnomAD. At this time, the clinical significance of this variant is uncertain due to the absence of conclusive functional and genetic evidence.

NM_020738.4(KIDINS220):c.1444G>A (p.Glu482Lys)

Gene: KIDINS220 (kinase D interacting substrate 220; minus strand). Cytogenetic location: 2p25.1.
Variant type: single nucleotide variant.
Coding change: c.1444G>A on transcript NM_020738.4 (MANE Select); coding-DNA position 1444, G replaced by A.
Protein change: p.Glu482Lys; replaces glutamic acid 482 with lysine.
Molecular consequence: missense variant. On other transcripts: non-coding transcript variant (2).
Genome position (GRCh38, 1-based): chr2:8,790,057, C>T on the plus strand (G>A on the coding strand, the complement: KIDINS220 is on the minus strand). VCF-style: chr2-8790057-C-T. GRCh37 (hg19) VCF-style: chr2-8930187-C-T.
Other names: c.1444G>A (NM_020738.2); c.1447G>A, p.Glu483Lys (NM_001348729.2, NM_001348731.2, NM_001348734.2 and 3 more transcripts); c.1444G>A, p.Glu482Lys (NM_001348732.2, NM_001348735.2, NM_001348738.2 and 3 more transcripts); c.1318G>A, p.Glu440Lys (NM_001348736.2); short protein forms E483K, E440K, E482K.
Identifiers: ClinVar variation 1416887 (VCV001416887.7), dbSNP rs745339879, ClinGen allele CA1520181.